The following is an entry in ClinVar:

ClinVar aggregate classification (germline): Uncertain significance (1 of 4 stars; one submission).

Conditions:
CHARGE syndrome (CHARGE). Also called: Hittner Hirsch Kreh syndrome; CHARGE ASSOCIATION--COLOBOMA, HEART ANOMALY, CHOANAL ATRESIA, RETARDATION, GENITAL AND EAR ANOMALIES; Coloboma, heart anomaly, choanal atresia, retardation, genital and ear anomalies; CHARGE association; Hall-Hittner syndrome. Identifiers: Orphanet 138, MedGen C0265354, MONDO:0008965.

Allele frequency attached by ClinVar (database versions not stated): gnomAD exomes below 0.00001; ExAC 0.00001; gnomAD 0.00001; 1000 Genomes Project 0.00020; 1000 Genomes Project 30x 0.00031.
gnomAD v4.1: 4 of 1,613,236 alleles (0.00025%); highest among the groups gnomAD compares: East Asian, 0.0089%; no homozygotes.

Submission:

Labcorp Genetics (formerly Invitae), Labcorp
Classification: Uncertain significance for CHARGE syndrome. Last evaluated: 2022-04-07. Review status: criteria provided, single submitter. Criteria: Invitae Variant Classification Sherloc (09022015). Collection method: clinical testing. Allele origin: germline.
Comment: This sequence change replaces glutamine, which is neutral and polar, with proline, which is neutral and non-polar, at codon 576 of the SEMA3E protein (p.Gln576Pro). In summary, the available evidence is currently insufficient to determine the role of this variant in disease. Therefore, it has been classified as a Variant of Uncertain Significance. Algorithms developed to predict the effect of missense changes on protein structure and function are either unavailable or do not agree on the potential impact of this missense change (SIFT: "Deleterious"; PolyPhen-2: "Benign"; Align-GVGD: "Class C0"). This variant has not been reported in the literature in individuals affected with SEMA3E-related conditions. This variant is present in population databases (rs184312135, gnomAD 0.02%).

NM_012431.3(SEMA3E):c.1727A>C (p.Gln576Pro)

Gene: SEMA3E (semaphorin 3E; minus strand). Cytogenetic location: 7q21.11.
Variant type: single nucleotide variant.
Coding change: c.1727A>C on transcript NM_012431.3 (MANE Select); coding-DNA position 1727, A replaced by C.
Protein change: p.Gln576Pro; replaces glutamine 576 with proline.
Molecular consequence: missense variant.
Genome position (GRCh38, 1-based): chr7:83,386,991, T>G on the plus strand (A>C on the coding strand, the complement: SEMA3E is on the minus strand). VCF-style: chr7-83386991-T-G. GRCh37 (hg19) VCF-style: chr7-83016307-T-G.
Other names: c.1547A>C, p.Gln516Pro (NM_001178129.2); short protein forms Q576P, Q516P.
Identifiers: ClinVar variation 2180533 (VCV002180533.4), dbSNP rs184312135, ClinGen allele CA4321928.